The following is an entry in ClinVar:

ClinVar aggregate classification (germline): Uncertain significance (1 of 4 stars; one submission).

Conditions:
Early-infantile DEE. Also called: Ohtahara syndrome; Early infantile epileptic encephalopathy with suppression bursts; Early infantile epileptic encephalopathy. Identifiers: Orphanet 1934, MedGen C0393706, MONDO:0800491.

Submission:

Labcorp Genetics (formerly Invitae), Labcorp
Classification: Uncertain significance for Early-infantile DEE. Last evaluated: 2025-07-23. Review status: criteria provided, single submitter. Criteria: Invitae Variant Classification Sherloc (09022015). Collection method: clinical testing. Allele origin: germline.
Comment: This sequence change replaces asparagine, which is neutral and polar, with aspartic acid, which is acidic and polar, at codon 762 of the SCN1A protein (p.Asn762Asp). This variant is not present in population databases (gnomAD no frequency). This missense change has been observed in individual(s) with Dravet syndrome (PMID: 21248271). ClinVar contains an entry for this variant (Variation ID: 1059748). Invitae Evidence Modeling of protein sequence and biophysical properties (such as structural, functional, and spatial information, amino acid conservation, physicochemical variation, residue mobility, and thermodynamic stability) has been performed for this missense variant. However, the output from this modeling did not meet the statistical confidence thresholds required to predict the impact of this variant on SCN1A protein function. In summary, the available evidence is currently insufficient to determine the role of this variant in disease. Therefore, it has been classified as a Variant of Uncertain Significance.

Literature cited by the submitters: PubMed 21248271.

NM_001165963.4(SCN1A):c.2284A>G (p.Asn762Asp)

Gene: SCN1A (sodium voltage-gated channel alpha subunit 1; minus strand). Cytogenetic location: 2q24.3.
Variant type: single nucleotide variant.
Coding change: c.2284A>G on transcript NM_001165963.4 (MANE Select); coding-DNA position 2284, A replaced by G.
Protein change: p.Asn762Asp; replaces asparagine 762 with aspartic acid.
Molecular consequence: missense variant. On other transcripts: 5 prime UTR variant (1), non-coding transcript variant (1).
Genome position (GRCh38, 1-based): chr2:166,041,362, T>C on the plus strand (A>G on the coding strand, the complement: SCN1A is on the minus strand). VCF-style: chr2-166041362-T-C. GRCh37 (hg19) VCF-style: chr2-166897872-T-C.
Other names: c.2200A>G, p.Asn734Asp (NM_001165964.3, NM_001353957.2, NM_001353958.2); c.2284A>G, p.Asn762Asp (NM_001202435.3, NM_001353948.2); c.2251A>G, p.Asn751Asp (NM_001353949.2, NM_001353950.2, NM_001353951.2 and 2 more transcripts); c.2248A>G, p.Asn750Asp (NM_001353954.2, NM_001353955.2); c.2197A>G, p.Asn733Asp (NM_001353960.2); c.-175A>G (NM_001353961.2); short protein forms N733D, N734D, N750D, N751D, N762D.
Identifiers: ClinVar variation 1059748 (VCV001059748.10), dbSNP rs2105828579, ClinGen allele CA349064552.
Genomic context (GRCh38, chr2:166,041,362, plus strand): 5'-TATTTAAGACAATACAGATGGTGATGGCCAGGTCAACAAATGGGTCCATCACAACCAGGT[T>C]GACAACATGTTTCACTTTTAACCAATATGGAGAACAGTCCCAGATTAAGAATATGTTGGA-3'
Protein context (NP_001159435.1, residues 752-772): PYWLKVKHVV[Asn762Asp]LVVMDPFVDL